The following is an entry in ClinVar:

ClinVar aggregate classification (germline): Conflicting classifications of pathogenicity. Review status: criteria provided, conflicting classifications (1 of 4 stars). 2 submissions from 2 submitters: Uncertain significance (1); Likely benign (1). Last evaluated 2026-04-22.

Conditions:
TTN-related disorder. Also called: TTN-related disorders; TTN-related condition; TTN-related disease.

Allele frequency attached by ClinVar (database versions not stated): gnomAD exomes below 0.00001 and 0.00002; ExAC 0.00002; gnomAD 0.00003; TOPMed 0.00003; ESP Exome Variant Server 0.00008; 1000 Genomes Project 30x 0.00016; 1000 Genomes Project 0.00020.
gnomAD v4.1: 12 of 1,613,224 alleles (0.00074%); highest among the groups gnomAD compares: African/African-American, 0.013%; no homozygotes.

Submissions (2):

PreventionGenetics, part of Exact Sciences
Classification: Uncertain significance for TTN-related condition. Last evaluated: 2026-04-22. Review status: criteria provided, single submitter. Criteria: ACMG Guidelines, 2015. Collection method: clinical testing. Allele origin: germline.
Comment: The TTN c.20674G>A variant is predicted to result in the amino acid substitution p.Glu6892Lys. To our knowledge, this variant has not been reported in the literature. This variant is reported in 0.021% of alleles in individuals of African descent in gnomAD. At this time, the clinical significance of this variant is uncertain due to the absence of conclusive functional and genetic evidence.

GeneDx
Classification: Likely benign. Last evaluated: 2021-06-22. Review status: criteria provided, single submitter. Criteria: GeneDx Variant Classification Process June 2021. Collection method: clinical testing. Allele origin: germline. Affected: yes.

NM_001267550.2(TTN):c.20674G>A (p.Glu6892Lys)

Gene: TTN (titin; minus strand). Cytogenetic location: 2q31.2.
Variant type: single nucleotide variant.
Coding change: c.20674G>A on transcript NM_001267550.2 (MANE Select); coding-DNA position 20674, G replaced by A.
Protein change: p.Glu6892Lys; replaces glutamic acid 6892 with lysine.
Molecular consequence: missense variant. On other transcripts: intron variant (3).
Genome position (GRCh38, 1-based): chr2:178,725,530, C>T on the plus strand (G>A on the coding strand, the complement: TTN is on the minus strand). VCF-style: chr2-178725530-C-T. GRCh37 (hg19) VCF-style: chr2-179590257-C-T.
Other names: c.19723G>A, p.Glu6575Lys (NM_001256850.1); c.16942G>A, p.Glu5648Lys (NM_133378.4); c.13282+12552G>A (NM_003319.4); c.13858+12552G>A (NM_133437.4); c.13657+12552G>A (NM_133432.3); short protein forms E5648K, E6575K, E6892K.
Identifiers: ClinVar variation 1207695 (VCV001207695.4), dbSNP rs185833299, ClinGen allele CA2001170.